The following is an entry in ClinVar:

ClinVar aggregate classification (germline): Uncertain significance (1 of 4 stars; one submission).

Submission:

GeneDx
Classification: Uncertain significance. Last evaluated: 2022-06-06. Review status: criteria provided, single submitter. Criteria: GeneDx Variant Classification Process June 2021. Collection method: clinical testing. Allele origin: germline. Affected: yes.
Comment: Not observed at significant frequency in large population cohorts (gnomAD); In silico analysis supports that this missense variant does not alter protein structure/function; Has not been previously published as pathogenic or benign to our knowledge

NM_015338.6(ASXL1):c.3028A>G (p.Thr1010Ala)

Gene: ASXL1 (ASXL transcriptional regulator 1; plus strand). Cytogenetic location: 20q11.21.
Variant type: single nucleotide variant.
Coding change: c.3028A>G on transcript NM_015338.6 (MANE Select); coding-DNA position 3028, A replaced by G.
Protein change: p.Thr1010Ala; replaces threonine 1010 with alanine.
Molecular consequence: missense variant.
Genome position (GRCh38, 1-based): chr20:32,435,740, A>G. VCF-style: chr20-32435740-A-G. GRCh37 (hg19) VCF-style: chr20-31023543-A-G.
Other names: c.2845A>G, p.Thr949Ala (NM_001363734.1); short protein forms T1010A, T949A.
Identifiers: ClinVar variation 1803310 (VCV001803310.1), dbSNP rs2515575387, ClinGen allele CA408561857.
Genomic context (GRCh38, chr20:32,435,740, plus strand): 5'-GAAGCACTGAGTCCTCACGGTGAGTCCACGGATACAGCCTCTGACTTTGAAGGTCACCTC[A>G]CGGAGGACAGCAGTGAGGCTGACACTAGAGAAGCTGCAGTGACAAAGGGATCTTCGGTGG-3'
Protein context (NP_056153.2, residues 1000-1020): DTASDFEGHL[Thr1010Ala]EDSSEADTRE